The following is an entry in ClinVar:

ClinVar aggregate classification (germline): Conflicting classifications of pathogenicity. Review status: criteria provided, conflicting classifications (1 of 4 stars). 5 submissions from 5 submitters: Uncertain significance (1); Benign (1); Likely benign (2). 1 of the submissions does not count toward it. Last evaluated 2025-12-04.

Conditions:
BLOC1S3-related disorder. Also called: BLOC1S3-related condition.

Allele frequency attached by ClinVar (database versions not stated): gnomAD exomes 0.00005 and 0.00013; ExAC 0.00033; 1000 Genomes Project 0.00060; gnomAD 0.00060 and 0.00063; TOPMed 0.00075; 1000 Genomes Project 30x 0.00094.
gnomAD v4.1: 159 of 1,575,456 alleles (0.01%); highest among the groups gnomAD compares: African/African-American, 0.2%; no homozygotes.

Submissions (5):

Labcorp Genetics (formerly Invitae), Labcorp
Classification: Likely benign. Last evaluated: 2025-12-04. Review status: criteria provided, single submitter. Criteria: Invitae Variant Classification Sherloc (09022015). Collection method: clinical testing. Allele origin: germline.

Mayo Clinic Laboratories, Mayo Clinic
Classification: Benign. Last evaluated: 2025-10-13. Review status: criteria provided, single submitter. Criteria: ACMG Guidelines, 2015. Collection method: clinical testing. Allele origin: germline. Observed: 1 variant allele.
Comment: BA1, BP4

Blueprint Genetics
Classification: Uncertain significance. Last evaluated: 2024-06-28. Review status: criteria provided, single submitter. Criteria: ACMG Guidelines, 2015. Collection method: clinical testing. Allele origin: germline.

Breakthrough Genomics
Classification: Likely benign. Review status: criteria provided, single submitter. Criteria: ACMG Guidelines, 2015. Collection method: not provided. Allele origin: germline. Inheritance: Autosomal recessive inheritance. Affected: yes.

PreventionGenetics, part of Exact Sciences
Classification: Likely benign for BLOC1S3-related condition. Last evaluated: 2024-02-14. Review status: no assertion criteria provided. Collection method: clinical testing. Allele origin: germline. Not counted in ClinVar's aggregate classification.
Comment: This variant is classified as likely benign based on ACMG/AMP sequence variant interpretation guidelines (Richards et al. 2015 PMID: 25741868, with internal and published modifications).

NM_212550.5(BLOC1S3):c.490C>T (p.Arg164Cys)

Gene: BLOC1S3 (biogenesis of lysosomal organelles complex 1 subunit 3; plus strand). Cytogenetic location: 19q13.32.
Variant type: single nucleotide variant.
Coding change: c.490C>T on transcript NM_212550.5 (MANE Select); coding-DNA position 490, C replaced by T.
Protein change: p.Arg164Cys; replaces arginine 164 with cysteine.
Molecular consequence: missense variant.
Genome position (GRCh38, 1-based): chr19:45,179,786, C>T. VCF-style: chr19-45179786-C-T. GRCh37 (hg19) VCF-style: chr19-45683044-C-T.
Other names: p.Arg164Cys; c.490C>T (NM_212550.4); short protein forms R164C.
Identifiers: ClinVar variation 1133758 (VCV001133758.14), dbSNP rs201441961, ClinGen allele CA9510264.